The following is an entry in ClinVar:

ClinVar aggregate classification (germline): Pathogenic. Review status: reviewed by expert panel (3 of 4 stars). 4 submissions from 4 submitters: Pathogenic (1). 3 of the submissions do not count toward it. Last evaluated 2016-10-18.

Conditions:
Hereditary breast ovarian cancer syndrome. Also called: Hereditary breast and ovarian cancer syndrome (HBOC); Breast and ovarian cancer; Hereditary breast and ovarian cancer syndrome; Hereditary breast and ovarian cancer; BRCA1- and BRCA2-Associated Hereditary Breast and Ovarian Cancer; Hereditary breast and/or ovarian cancer syndrome. Identifiers: Orphanet 145, MedGen C0677776, MeSH D061325, MONDO:0003582. Disease mechanism: loss of function.
Breast-ovarian cancer, familial, susceptibility to, 1 (BROVCA1). Also called: BRCA1 Hereditary Breast and Ovarian Cancer; OVARIAN CANCER, SUSCEPTIBILITY TO. Identifiers: Orphanet 145, MedGen C2676676, MONDO:0011450, OMIM 604370. Disease mechanism: loss of function.

Submissions (4):

Evidence-based Network for the Interpretation of Germline Mutant Alleles (ENIGMA)
Classification: Pathogenic for Breast-ovarian cancer, familial, susceptibility to, 1. Last evaluated: 2016-10-18. Review status: reviewed by expert panel. Criteria: ENIGMA BRCA1/2 Classification Criteria (2015). Collection method: curation. Allele origin: germline.
Comment: Variant allele predicted to encode a truncated non-functional protein.

Labcorp Genetics (formerly Invitae), Labcorp
Classification: Pathogenic for Hereditary breast ovarian cancer syndrome. Last evaluated: 2023-09-22. Review status: criteria provided, single submitter. Criteria: Invitae Variant Classification Sherloc (09022015). Collection method: clinical testing. Allele origin: germline. Not counted in ClinVar's aggregate classification.
Comment: This variant has not been reported in the literature in individuals affected with BRCA1-related conditions. ClinVar contains an entry for this variant (Variation ID: 266393). For these reasons, this variant has been classified as Pathogenic. This variant is not present in population databases (gnomAD no frequency). This sequence change creates a premature translational stop signal (p.Glu121Glyfs*21) in the BRCA1 gene. It is expected to result in an absent or disrupted protein product. Loss-of-function variants in BRCA1 are known to be pathogenic (PMID: 20104584).

Consortium of Investigators of Modifiers of BRCA1/2 (CIMBA), c/o University of Cambridge
Classification: Pathogenic for Breast-ovarian cancer, familial, susceptibility to, 1. Last evaluated: 2015-10-02. Review status: criteria provided, single submitter. Criteria: CIMBA Mutation Classification guidelines May 2016. Collection method: clinical testing. Allele origin: germline. Not counted in ClinVar's aggregate classification.

GeneDx
Classification: Pathogenic. Last evaluated: 2015-02-19. Review status: criteria provided, single submitter. Criteria: GeneDx Variant Classification (06012015). Collection method: clinical testing. Allele origin: germline. Affected: yes. Not counted in ClinVar's aggregate classification.
Comment: This duplication of one nucleotide in BRCA1 is denoted c.361dupG at the cDNA level and p.Glu121GlyfsX21 (E121GfsX21) at the protein level. The normal sequence, with the base that is duplicated in brackets, is AGAT[G]AAGT. The duplication causes a frameshift, which changes a Glutamic Acid to a Glycine at codon 121, and creates a premature stop codon at position 21 of the new reading frame. Although this variant has not, to our knowledge, been reported in the literature, it is predicted to cause loss of normal protein function through either protein truncation or nonsense-mediated mRNA decay. we consider this variant to be pathogenic.

Literature cited by the submitters: PubMed 20104584 (cited by Labcorp Genetics (formerly Invitae), Labcorp).

NM_007294.4(BRCA1):c.361dup (p.Glu121fs)

Gene: BRCA1 (BRCA1 DNA repair associated; minus strand). Cytogenetic location: 17q21.31.
Variant type: Duplication.
Coding change: c.361dup on transcript NM_007294.4 (MANE Select); coding-DNA position 361, one base duplicated (G; older notation c.361dupG).
Protein change: p.Glu121fs; shifts the reading frame from glutamic acid 121.
Molecular consequence: frameshift variant. On other transcripts: non-coding transcript variant (1).
Genome position (GRCh38, 1-based): chr17:43,104,202, C duplicated on the plus strand (G on the coding strand, the reverse complement: BRCA1 is on the minus strand). VCF-style (leftmost placement, unchanged base first): chr17-43104201-T-TC. GRCh37 (hg19) VCF-style: chr17-41256218-T-TC.
Other names: 480insG; c.361dupG (NM_007294.3); c.361dup, p.Glu121Glyfs (NM_001407858.1, NM_001407859.1, NM_001407860.1 and 163 more transcripts); c.283dup, p.Glu95Glyfs (NM_001407862.1, NM_001407874.1, NM_001407875.1 and 21 more transcripts); c.151dup, p.Glu51Glyfs (NM_001407879.1, NM_001407881.1, NM_001407882.1 and 58 more transcripts); c.220dup, p.Glu74Glyfs (NM_001407920.1, NM_001407921.1, NM_001407922.1 and 98 more transcripts); c.-21dup (NM_001407959.1, NM_001407960.1, NM_001407962.1 and 4 more transcripts); c.352dup, p.Glu118Glyfs (NM_001408408.1, NM_001407646.1, NM_001407647.1); and 3 more; short protein forms E121fs, E74fs.
Identifiers: ClinVar variation 266393 (VCV000266393.10), dbSNP rs886040152, ClinGen allele CA10590017.